The following is an entry in ClinVar:

NM_001211.6(BUB1B):c.2473T>C (p.Cys825Arg)

Gene: BUB1B (BUB1 mitotic checkpoint serine/threonine kinase B; plus strand). Cytogenetic location: 15q15.1.
Variant type: single nucleotide variant.
Coding change: c.2473T>C on transcript NM_001211.6 (MANE Select); coding-DNA position 2473, T replaced by C.
Protein change: p.Cys825Arg; replaces cysteine 825 with arginine.
Molecular consequence: missense variant.
Genome position (GRCh38, 1-based): chr15:40,212,586, T>C. VCF-style: chr15-40212586-T-C. GRCh37 (hg19) VCF-style: chr15-40504787-T-C.
Other names: short protein forms C825R.
Identifiers: ClinVar variation 4600416 (VCV004600416.1).
Genomic context (GRCh38, chr15:40,212,586, plus strand): 5'-TTTTATATCAACCTCAAGTTAAAGGAACGTTTAAATGAAGATTTTGATCATTTTTGCAGC[T>C]GTTATCAATATCAAGATGGCTGTATTGTTTGGCACCAATATATAAACTGCTTCACCCTTC-3'
Protein context (NP_001202.5, residues 815-835): LNEDFDHFCS[Cys825Arg]YQYQDGCIVW

ClinVar aggregate classification (germline): Uncertain significance (1 of 4 stars; one submission).

Conditions:
Inborn genetic diseases. Identifiers: MedGen C0950123, MeSH D030342.

Submission:

Ambry Genetics
Classification: Uncertain significance for Inborn genetic diseases. Last evaluated: 2025-10-22. Review status: criteria provided, single submitter. Criteria: Ambry Variant Classification Scheme 2023. Collection method: clinical testing. Allele origin: germline.
Comment: The p.C825R variant (also known as c.2473T>C), located in coding exon 19 of the BUB1B gene, results from a T to C substitution at nucleotide position 2473. The cysteine at codon 825 is replaced by arginine, an amino acid with highly dissimilar properties. This amino acid position is conserved. In addition, the in silico prediction for this alteration is inconclusive. Based on the available evidence, the clinical significance of this variant remains unclear.